The following is an entry in ClinVar:

NC_000016.10:g.(?_28824392)_(28904205_?)del

Genes: ATP2A1 (ATPase sarcoplasmic/endoplasmic reticulum Ca2+ transporting 1; plus strand), ATP2A1-AS1 (ATP2A1 antisense RNA 1; minus strand), SH2B1 (SH2B adaptor protein 1; plus strand), ATXN2L (ataxin 2 like; plus strand), MIR4721 (microRNA 4721; minus strand) and 10 more. Cytogenetic location: 16p11.2.
Variant type: Deletion.
Identifiers: ClinVar variation 583588 (VCV000583588.1).

ClinVar aggregate classification (germline): Pathogenic (1 of 4 stars; one submission).

Conditions:
Brody myopathy. Also called: BRODY DISEASE. Identifiers: Orphanet 53347, MedGen C1832918, MONDO:0010977, OMIM 601003.

Submission:

Labcorp Genetics (formerly Invitae), Labcorp
Classification: Pathogenic for Brody myopathy. Last evaluated: 2018-03-05. Review status: criteria provided, single submitter. Criteria: Invitae Variant Classification Sherloc (09022015). Collection method: clinical testing. Allele origin: germline.
Comment: A gross deletion of the genomic region encompassing the full coding sequence of the ATP2A1 gene has been identified. The boundaries of this event are unknown as the deletion extends beyond the assayed region for this gene and therefore may encompass additional genes. Isolated whole-gene deletions of ATP2A1 have not been reported in the literature. However, larger copy number events that include this gene have been reported (PMID: 17882224, 24707176). Loss-of-function variants in ATP2A1 are known to be pathogenic (PMID: 8841193, 10914677, 23911890). For these reasons, this variant has been classified as Pathogenic.

Literature cited by the submitters: PubMed 17882224; PubMed 24707176.